The following is an entry in ClinVar:

NM_006516.4(SLC2A1):c.833T>C (p.Leu278Pro)

Gene: SLC2A1 (solute carrier family 2 member 1; minus strand). Cytogenetic location: 1p34.2.
Variant type: single nucleotide variant.
Coding change: c.833T>C on transcript NM_006516.4 (MANE Select); coding-DNA position 833, T replaced by C.
Protein change: p.Leu278Pro; replaces leucine 278 with proline.
Molecular consequence: missense variant.
Genome position (GRCh38, 1-based): chr1:42,929,627, A>G on the plus strand (T>C on the coding strand, the complement: SLC2A1 is on the minus strand). VCF-style: chr1-42929627-A-G. GRCh37 (hg19) VCF-style: chr1-43395298-A-G.
Other names: short protein forms L278P.
Identifiers: ClinVar variation 1070464 (VCV001070464.9), dbSNP rs2124448851, ClinGen allele CA339957314.
Genomic context (GRCh38, chr1:42,929,627, plus strand): 5'-CAGGAAGGGTGGGTGGGGGCACTCACAGCGTTGATGCCAGACAGCTGCTGGGACAGCTGC[A>G]GCACCACAGCGATGAGGATGGGCTGGCGGTAGGCGGGGGAGCGGAACAGCTCCAGGATGG-3'
Protein context (NP_006507.2, residues 268-288): YRQPILIAVV[Leu278Pro]QLSQQLSGIN

ClinVar aggregate classification (germline): Pathogenic (1 of 4 stars; one submission).

Conditions:
GLUT1 deficiency syndrome 1, autosomal recessive. Identifiers: MedGen C3149117.

Submission:

Labcorp Genetics (formerly Invitae), Labcorp
Classification: Pathogenic for GLUT1 deficiency syndrome 1, autosomal recessive. Last evaluated: 2020-10-20. Review status: criteria provided, single submitter. Criteria: Invitae Variant Classification Sherloc (09022015). Collection method: clinical testing. Allele origin: germline.
Comment: This sequence change replaces leucine with proline at codon 278 of the SLC2A1 protein (p.Leu278Pro). The leucine residue is highly conserved and there is a moderate physicochemical difference between leucine and proline. For these reasons, this variant has been classified as Pathogenic. Advanced modeling of protein sequence and biophysical properties (such as structural, functional, and spatial information, amino acid conservation, physicochemical variation, residue mobility, and thermodynamic stability) performed at Invitae indicates that this missense variant is expected to disrupt SLC2A1 protein function. This variant has been observed in individual(s) with clinical features of glucose transporter type 1 deficiency syndrome (Invitae). In at least one individual the variant was observed to be de novo. This variant is not present in population databases (ExAC no frequency).